The following is an entry in ClinVar:

ClinVar aggregate classification (germline): Benign. Review status: criteria provided, multiple submitters, no conflicts (2 of 4 stars). 2 submissions from 2 submitters: Benign (2). Last evaluated 2018-06-18.

Allele frequency attached by ClinVar (database versions not stated): 1000 Genomes Project 30x 0.01624; 1000 Genomes Project 0.01657; TOPMed 0.02701; ESP Exome Variant Server 0.03088.
gnomAD v4.1: 58,644 of 1,550,682 alleles (3.8%); highest among the groups gnomAD compares: Middle Eastern, 4.4%; 1,305 homozygotes.

Submissions (2):

GeneDx
Classification: Benign. Last evaluated: 2018-06-18. Review status: criteria provided, single submitter. Criteria: GeneDx Variant Classification (06012015). Collection method: clinical testing. Allele origin: germline. Affected: yes.
Comment: This variant is considered likely benign or benign based on one or more of the following criteria: it is a conservative change, it occurs at a poorly conserved position in the protein, it is predicted to be benign by multiple in silico algorithms, and/or has population frequency not consistent with disease.

Breakthrough Genomics
Classification: Benign. Review status: criteria provided, single submitter. Criteria: ACMG Guidelines, 2015. Collection method: not provided. Allele origin: germline. Inheritance: Unknown mechanism. Affected: yes.

NM_004304.5(ALK):c.3515+53C>G

Gene: ALK (ALK receptor tyrosine kinase; minus strand). Cytogenetic location: 2p23.2.
Variant type: single nucleotide variant.
Coding change: c.3515+53C>G on transcript NM_004304.5 (MANE Select); 53 bases into the intron after coding-DNA position 3515, C replaced by G.
Molecular consequence: intron variant.
Genome position (GRCh38, 1-based): chr2:29,222,291, G>C on the plus strand (C>G on the coding strand, the complement: ALK is on the minus strand). VCF-style: chr2-29222291-G-C. GRCh37 (hg19) VCF-style: chr2-29445157-G-C.
Other names: c.311+53C>G (NM_001353765.2).
Identifiers: ClinVar variation 677750 (VCV000677750.2), dbSNP rs76002034, ClinGen allele CA44631149.